The following is an entry in ClinVar:

ClinVar aggregate classification (germline): Uncertain significance (1 of 4 stars; one submission).

Conditions:
LRRC45-related disorder. Also called: LRRC45-related condition.

gnomAD v4.1: 13 of 1,587,474 alleles (0.00082%); highest among the groups gnomAD compares: Non-Finnish European, 0.0011%; no homozygotes.

Submission:

PreventionGenetics, part of Exact Sciences
Classification: Uncertain significance for LRRC45-related condition. Last evaluated: 2025-02-19. Review status: criteria provided, single submitter. Criteria: ACMG Guidelines, 2015. Collection method: clinical testing. Allele origin: germline.
Comment: The LRRC45 c.991C>G variant is predicted to result in the amino acid substitution p.Gln331Glu. To our knowledge, this variant has not been reported in the literature. This variant is reported in 0.0034% of alleles in individuals of European (Non-Finnish) descent in gnomAD. At this time, the clinical significance of this variant is uncertain due to the absence of conclusive functional and genetic evidence.

NM_144999.4(LRRC45):c.991C>G (p.Gln331Glu)

Gene: LRRC45 (leucine rich repeat containing 45; plus strand). Cytogenetic location: 17q25.3.
Variant type: single nucleotide variant.
Coding change: c.991C>G on transcript NM_144999.4 (MANE Select); coding-DNA position 991, C replaced by G.
Protein change: p.Gln331Glu; replaces glutamine 331 with glutamic acid.
Molecular consequence: missense variant.
Genome position (GRCh38, 1-based): chr17:82,028,090, C>G. VCF-style: chr17-82028090-C-G. GRCh37 (hg19) VCF-style: chr17-79985966-C-G.
Other names: short protein forms Q331E.
Identifiers: ClinVar variation 4988761 (VCV004988761.1).